The following is an entry in ClinVar:

ClinVar aggregate classification (germline): Uncertain significance. Review status: criteria provided, multiple submitters, no conflicts (2 of 4 stars). 2 submissions from 2 submitters: Uncertain significance (2). Last evaluated 2025-08-26.

gnomAD v4.1: 92 of 1,614,102 alleles (0.0057%); highest among the groups gnomAD compares: South Asian, 0.065%; no homozygotes.

Submissions (2):

Labcorp Genetics (formerly Invitae), Labcorp
Classification: Uncertain significance. Last evaluated: 2025-08-26. Review status: criteria provided, single submitter. Criteria: Invitae Variant Classification Sherloc (09022015). Collection method: clinical testing. Allele origin: germline.
Comment: This sequence change replaces arginine, which is basic and polar, with cysteine, which is neutral and slightly polar, at codon 54 of the MYH7B protein (p.Arg54Cys). This variant is present in population databases (rs759103855, gnomAD 0.07%), and has an allele count higher than expected for a pathogenic variant. This variant has not been reported in the literature in individuals affected with MYH7B-related conditions. ClinVar contains an entry for this variant (Variation ID: 3400970). Invitae Evidence Modeling of protein sequence and biophysical properties (such as structural, functional, and spatial information, amino acid conservation, physicochemical variation, residue mobility, and thermodynamic stability) indicates that this missense variant is not expected to disrupt MYH7B protein function with a negative predictive value of 80%. In summary, the available evidence is currently insufficient to determine the role of this variant in disease. Therefore, it has been classified as a Variant of Uncertain Significance.

Ambry Genetics
Classification: Uncertain significance. Last evaluated: 2024-10-08. Review status: criteria provided, single submitter. Criteria: Ambry Variant Classification Scheme 2023. Collection method: clinical testing. Allele origin: germline.

NM_020884.7(MYH7B):c.34C>T (p.Arg12Cys)

Gene: MYH7B (myosin heavy chain 7B; plus strand). Cytogenetic location: 20q11.22.
Variant type: single nucleotide variant.
Coding change: c.34C>T on transcript NM_020884.7 (MANE Select); coding-DNA position 34, C replaced by T.
Protein change: p.Arg12Cys; replaces arginine 12 with cysteine.
Molecular consequence: missense variant.
Genome position (GRCh38, 1-based): chr20:34,978,039, C>T. VCF-style: chr20-34978039-C-T. GRCh37 (hg19) VCF-style: chr20-33565842-C-T.
Other names: short protein forms R12C.
Identifiers: ClinVar variation 3400970 (VCV003400970.2).
Genomic context (GRCh38, chr20:34,978,039, plus strand): 5'-CTCCTCCTTCACCCCAGTGCCACTGCCATGATGGATGTGAGTGAACTTGGGGAGTCTGCC[C>T]GCTACCTCCGCCAGGGCTACCAGGAGATGACGAAGGTGCACACTATCCCATGGGACGGTA-3'
Protein context (NP_065935.4, residues 2-22): MDVSELGESA[Arg12Cys]YLRQGYQEMT